The following is an entry in ClinVar:

NM_032040.5(CCDC8):c.978_979inv (p.Asp326_Gln327delinsGluGlu)

Gene: CCDC8 (coiled-coil domain containing 8 subunit of 3M complex; minus strand). Cytogenetic location: 19q13.32.
Variant type: Inversion.
Coding change: c.978_979inv on transcript NM_032040.5 (MANE Select).
Protein change: p.Asp326_Gln327delinsGluGlu.
Molecular consequence: missense variant.
Genome position: GRCh38 VCF-style: chr19-46411832-GG-CC. GRCh37 (hg19) VCF-style: chr19-46915089-GG-CC.
Identifiers: ClinVar variation 1519767 (VCV001519767.7), ClinGen allele CA645600825.

ClinVar aggregate classification (germline): Uncertain significance (1 of 4 stars; one submission).

Submission:

Labcorp Genetics (formerly Invitae), Labcorp
Classification: Uncertain significance. Last evaluated: 2021-03-29. Review status: criteria provided, single submitter. Criteria: Invitae Variant Classification Sherloc (09022015). Collection method: clinical testing. Allele origin: germline.
Comment: In summary, the available evidence is currently insufficient to determine the role of this variant in disease. Therefore, it has been classified as a Variant of Uncertain Significance. Experimental studies and prediction algorithms are not available or were not evaluated, and the functional significance of this variant is currently unknown. This variant has not been reported in the literature in individuals with CCDC8-related conditions. The frequency data for this variant in the population databases is not available, as this variant may be reported as separate entries in the ExAC database. This variant, c.978_979delinsGG, is a complex sequence change that results in the deletion of 2 and insertion of 2 amino acid(s) in the CCDC8 protein (p.Asp326_Gln327delinsGluGlu).